The following is an entry in ClinVar:

NM_000178.4(GSS):c.-63G>C

Gene: GSS (glutathione synthetase; minus strand). Cytogenetic location: 20q11.22.
Variant type: single nucleotide variant.
Coding change: c.-63G>C on transcript NM_000178.4 (MANE Select); 63 bases upstream of the start codon, G replaced by C.
Molecular consequence: 5 prime UTR variant. On other transcripts: intron variant (1).
Genome position (GRCh38, 1-based): chr20:34,955,781, C>G on the plus strand (G>C on the coding strand, the complement: GSS is on the minus strand). VCF-style: chr20-34955781-C-G. GRCh37 (hg19) VCF-style: chr20-33543584-C-G.
Other names: c.-63G>C (LRG_1168t1); c.-9+89G>C (NM_001322494.1).
Identifiers: ClinVar variation 338307 (VCV000338307.10), dbSNP rs192442930, ClinGen allele CA10649660.

ClinVar aggregate classification (germline): Conflicting classifications of pathogenicity. Review status: criteria provided, conflicting classifications (1 of 4 stars). 2 submissions from 2 submitters: Uncertain significance (1); Likely benign (1). Last evaluated 2020-04-20.

Conditions:
Inherited glutathione synthetase deficiency. Identifiers: Orphanet 32, MedGen C5979912, MONDO:0017909.

Allele frequency attached by ClinVar (database versions not stated): 1000 Genomes Project 0.00240; 1000 Genomes Project 30x 0.00344; gnomAD 0.00445; TOPMed 0.00480.

Submissions (2):

Mayo Clinic Laboratories, Mayo Clinic
Classification: Uncertain significance. Last evaluated: 2020-04-20. Review status: criteria provided, single submitter. Criteria: ACMG Guidelines, 2015. Collection method: clinical testing. Allele origin: germline. Observed: 1 variant allele.

Illumina Laboratory Services, Illumina
Classification: Likely benign for Glutathione synthetase deficiency with 5-oxoprolinuria. Last evaluated: 2018-01-12. Review status: criteria provided, single submitter. Criteria: ICSL Variant Classification Criteria 13 December 2019. Collection method: clinical testing. Allele origin: germline.
Comment: This variant was observed in the ICSL laboratory as part of a predisposition screen in an ostensibly healthy population. It had not been previously curated by ICSL or reported in the Human Gene Mutation Database (HGMD: prior to June 1st, 2018), and was therefore a candidate for classification through an automated scoring system. Utilizing variant allele frequency, disease prevalence and penetrance estimates, and inheritance mode, an automated score was calculated to assess if this variant is too frequent to cause the disease. Based on the score and internal cut-off values, a variant classified as likely benign is not then subjected to further curation. The score for this variant resulted in a classification of likely benign for this disease.